The following is an entry in ClinVar:

NM_001267550.2(TTN):c.31060A>G (p.Lys10354Glu)

Gene: TTN (titin; minus strand). Cytogenetic location: 2q31.2.
Variant type: single nucleotide variant.
Coding change: c.31060A>G on transcript NM_001267550.2 (MANE Select); coding-DNA position 31060, A replaced by G.
Protein change: p.Lys10354Glu; replaces lysine 10354 with glutamic acid.
Molecular consequence: missense variant. On other transcripts: intron variant (3).
Genome position (GRCh38, 1-based): chr2:178,696,012, T>C on the plus strand (A>G on the coding strand, the complement: TTN is on the minus strand). VCF-style: chr2-178696012-T-C. GRCh37 (hg19) VCF-style: chr2-179560739-T-C.
Other names: c.30109A>G, p.Lys10037Glu (NM_001256850.1); c.13282+42070A>G (NM_003319.4); c.13858+42070A>G (NM_133437.4); c.13657+42070A>G (NM_133432.3); c.27328A>G (NM_133378.4); c.31060A>G (NM_001267550.1); short protein forms K10354E, K10037E.
Identifiers: ClinVar variation 167792 (VCV000167792.9), dbSNP rs373209880, ClinGen allele CA235135.

ClinVar aggregate classification (germline): Uncertain significance. Review status: criteria provided, multiple submitters, no conflicts (2 of 4 stars). 3 submissions from 3 submitters: Uncertain significance (3). Last evaluated 2024-07-25.

Allele frequency attached by ClinVar (database versions not stated): gnomAD exomes 0.00002 and 0.00001; TOPMed 0.00002; ExAC 0.00005; ESP Exome Variant Server 0.00011; gnomAD 0.00001.
gnomAD v4.1: 14 of 1,548,830 alleles (0.0009%); highest among the groups gnomAD compares: Admixed American, 0.002%; no homozygotes.

Submissions (3):

GeneDx
Classification: Uncertain significance. Last evaluated: 2024-07-25. Review status: criteria provided, single submitter. Criteria: GeneDx Variant Classification Process June 2021. Collection method: clinical testing. Allele origin: germline. Affected: yes.
Comment: Not observed at significant frequency in large population cohorts (gnomAD); Missense variant in a gene in which most reported pathogenic variants are truncating/loss of function; Has not been previously published as pathogenic or benign to our knowledge

Revvity Omics, Revvity
Classification: Uncertain significance. Last evaluated: 2022-07-14. Review status: criteria provided, single submitter. Criteria: ACMG Guidelines, 2015. Collection method: clinical testing. Allele origin: germline.

Eurofins Ntd Llc (ga)
Classification: Uncertain significance. Last evaluated: 2014-02-27. Review status: criteria provided, single submitter. Criteria: EGL Classification Definitions 2015. Collection method: clinical testing. Allele origin: germline. Observed: 1 variant allele, 1 heterozygote.